The following is an entry in ClinVar:

ClinVar aggregate classification (germline): Conflicting classifications of pathogenicity. Review status: criteria provided, conflicting classifications (1 of 4 stars). 6 submissions from 4 submitters: Uncertain significance (3); Likely benign (3). Last evaluated 2025-12-16.

Conditions:
RYR1-related disorder. Also called: RYR1-related condition; RYR1-related disorders. Identifiers: MedGen CN239331.
Congenital multicore myopathy with external ophthalmoplegia (CMYO1B). Also called: MULTICORE MYOPATHY; Minicore myopathy with external ophthalmoplegia; Congenital myopathy 1B, autosomal recessive; Minicore myopathy; MULTIMINICORE DISEASE WITH EXTERNAL OPHTHALMOPLEGIA. Identifiers: Orphanet 598, Orphanet 98905, MedGen C1850674, MONDO:0009712, OMIM 255320, HP:0003789.
Central core myopathy (CMYO1A). Also called: Central core disease; Myopathy, central fibrillar; CONGENITAL MYOPATHY 1A, AUTOSOMAL DOMINANT, WITH SUSCEPTIBILITY TO MALIGNANT HYPERTHERMIA. Identifiers: Orphanet 597, MedGen C5830701, MONDO:0007294, OMIM 117000.
Malignant hyperthermia, susceptibility to, 1 (MHS1). Also called: Anesthesia related hyperthermia; Malignant hyperpyrexia; Fulminating hyperpyrexia; Pharmacogenic myopathy; RYR1-Related Malignant Hyperthermia Susceptibility; Malignant hyperthermia suceptibility 1. Identifiers: Orphanet 423, MedGen C2930980, MONDO:0007783, OMIM 145600.

Allele frequency attached by ClinVar (database versions not stated): gnomAD exomes 0.00004 and 0.00005; TOPMed 0.00004; ExAC 0.00005; gnomAD 0.00006.
gnomAD v4.1: 72 of 1,591,190 alleles (0.0045%); highest among the groups gnomAD compares: Admixed American, 0.011%; no homozygotes.

Submissions (6):

Labcorp Genetics (formerly Invitae), Labcorp
Classification: Likely benign for RYR1-related disorder. Last evaluated: 2025-12-16. Review status: criteria provided, single submitter. Criteria: Invitae Variant Classification Sherloc (09022015). Collection method: clinical testing. Allele origin: germline.

All of Us Research Program, National Institutes of Health
Classification: Likely benign for Malignant hyperthermia, susceptibility to, 1. Last evaluated: 2023-12-01. Review status: criteria provided, single submitter. Criteria: ACMG Guidelines, 2015. Collection method: clinical testing. Allele origin: germline. Inheritance: Autosomal dominant inheritance. Observed: 14 variant alleles, 14 heterozygotes.
Comment: This study involves interpretation of variants in research participants for the purpose of population health screening. Participant phenotype was not available at the time of variant classification. Additional details can be found in publication PMID: 35346344, PMCID: PMC8962531

Color Diagnostics, LLC DBA Color Health
Classification: Likely benign for Malignant hyperthermia, susceptibility to, 1. Last evaluated: 2022-10-03. Review status: criteria provided, single submitter. Criteria: ACMG Guidelines, 2015. Collection method: clinical testing. Allele origin: germline.

Illumina Laboratory Services, Illumina
Classification: Uncertain significance for Congenital multicore myopathy with external ophthalmoplegia. Last evaluated: 2018-01-12. Review status: criteria provided, single submitter. Criteria: ICSL Variant Classification Criteria 13 December 2019. Collection method: clinical testing. Allele origin: germline.

Illumina Laboratory Services, Illumina
Classification: Uncertain significance for Malignant hyperthermia, susceptibility to, 1. Last evaluated: 2018-01-12. Review status: criteria provided, single submitter. Criteria: ICSL Variant Classification Criteria 13 December 2019. Collection method: clinical testing. Allele origin: germline.

Illumina Laboratory Services, Illumina
Classification: Uncertain significance for Central core myopathy. Last evaluated: 2018-01-12. Review status: criteria provided, single submitter. Criteria: ICSL Variant Classification Criteria 13 December 2019. Collection method: clinical testing. Allele origin: germline.

NM_000540.3(RYR1):c.2844C>T (p.Asn948=)

Gene: RYR1 (ryanodine receptor 1; plus strand). Cytogenetic location: 19q13.2.
Variant type: single nucleotide variant.
Coding change: c.2844C>T on transcript NM_000540.3 (MANE Select); coding-DNA position 2844, C replaced by T.
Protein change: p.Asn948=; no amino-acid change (asparagine 948 retained).
Molecular consequence: synonymous variant.
Genome position (GRCh38, 1-based): chr19:38,464,696, C>T. VCF-style: chr19-38464696-C-T. GRCh37 (hg19) VCF-style: chr19-38955336-C-T.
Other names: c.2844C>T, p.Asn948= (NM_001042723.2).
Identifiers: ClinVar variation 329002 (VCV000329002.16), dbSNP rs761045773, ClinGen allele CA064092.
Genomic context (GRCh38, chr19:38,464,696, plus strand): 5'-CAGGACTCTGCTGGCTCTGGGCTGCCACGTGGGCATGGCGGATGAGAAGGCGGAGGACAA[C>T]CTGAAGAAGACAAAACTCCCCAAGACGTGAGTGTGGGCAGCCAGGTCCCGTCTGGGGATG-3'
Protein context (NP_000531.2, residues 938-958): VGMADEKAED[Asn948=]LKKTKLPKTY